The following is an entry in ClinVar:

ClinVar aggregate classification (germline): Uncertain significance (1 of 4 stars; one submission).

Allele frequency attached by ClinVar (database versions not stated): TOPMed 0.00001; gnomAD 0.00002; gnomAD exomes 0.00002.

Submission:

Labcorp Genetics (formerly Invitae), Labcorp
Classification: Uncertain significance. Last evaluated: 2022-11-05. Review status: criteria provided, single submitter. Criteria: Invitae Variant Classification Sherloc (09022015). Collection method: clinical testing. Allele origin: germline.
Comment: In summary, the available evidence is currently insufficient to determine the role of this variant in disease. Therefore, it has been classified as a Variant of Uncertain Significance. Algorithms developed to predict the effect of missense changes on protein structure and function output the following: SIFT: "Tolerated"; PolyPhen-2: "Benign"; Align-GVGD: "Class C0". The aspartic acid amino acid residue is found in multiple mammalian species, which suggests that this missense change does not adversely affect protein function. This variant has not been reported in the literature in individuals affected with TAF1-related conditions. This variant is present in population databases (no rsID available, gnomAD 0.003%), including at least one homozygous and/or hemizygous individual. This sequence change replaces glutamic acid, which is acidic and polar, with aspartic acid, which is acidic and polar, at codon 1653 of the TAF1 protein (p.Glu1653Asp).

NM_004606.5(TAF1):c.4899A>C (p.Glu1633Asp)

Gene: TAF1 (TATA-box binding protein associated factor 1; plus strand). Cytogenetic location: Xq13.1.
Variant type: single nucleotide variant.
Coding change: c.4899A>C on transcript NM_004606.5 (MANE Select); coding-DNA position 4899, A replaced by C.
Protein change: p.Glu1633Asp; replaces glutamic acid 1633 with aspartic acid.
Molecular consequence: missense variant. On other transcripts: non-coding transcript variant (9).
Genome position (GRCh38, 1-based): chrX:71,454,818, A>C. VCF-style: chrX-71454818-A-C. GRCh37 (hg19) VCF-style: chrX-70674668-A-C.
Other names: c.4899A>C, p.Glu1633Asp (NM_001286074.2); c.4836A>C, p.Glu1612Asp (NM_138923.4); short protein forms E1612D, E1633D.
Identifiers: ClinVar variation 2723130 (VCV002723130.3), dbSNP rs1167331544, ClinGen allele CA413524610.